The following is an entry in ClinVar:

ClinVar aggregate classification (germline): Uncertain significance. Review status: criteria provided, multiple submitters, no conflicts (2 of 4 stars). 2 submissions from 2 submitters: Uncertain significance (2). Last evaluated 2023-02-09.

Conditions:
Dilated cardiomyopathy 3B (CMD3B). Also called: CMD3B: DMD-Related Dilated Cardiomyopathy; CARDIOMYOPATHY, DILATED, X-LINKED; DMD-Associated Dilated Cardiomyopathy. Identifiers: Orphanet 154, MedGen C3668940, MONDO:0010542, OMIM 302045.

Allele frequency attached by ClinVar (database versions not stated): gnomAD 0.00002; gnomAD exomes 0.00003; 1000 Genomes Project 0.00026; 1000 Genomes Project 30x 0.00042.
gnomAD v4.1: 43 of 1,151,380 alleles (0.0037%); highest among the groups gnomAD compares: South Asian, 0.069%; no homozygotes.

Submissions (2):

Athena Diagnostics
Classification: Uncertain significance. Last evaluated: 2023-02-09. Review status: criteria provided, single submitter. Criteria: Athena Diagnostics Criteria. Collection method: clinical testing. Allele origin: unknown.
Comment: Available data are insufficient to determine the clinical significance of the variant at this time. The frequency of this variant in the general population is uninformative in assessment of its pathogenicity. This variant has been seen where an alternate explanation for disease was also identified, suggesting this variant may not cause disease. Computational tools yielded predictions that this variant is unlikely to have an effect on normal RNA splicing.

Illumina Laboratory Services, Illumina
Classification: Uncertain significance for Dilated cardiomyopathy 3B. Last evaluated: 2018-01-12. Review status: criteria provided, single submitter. Criteria: ICSL Variant Classification Criteria 13 December 2019. Collection method: clinical testing. Allele origin: germline.

NM_004006.3(DMD):c.-123T>C

Gene: DMD (dystrophin; minus strand). Cytogenetic location: Xp21.1.
Variant type: single nucleotide variant.
Coding change: c.-123T>C on transcript NM_004006.3 (MANE Select); 123 bases upstream of the start codon, T replaced by C.
Molecular consequence: 5 prime UTR variant. On other transcripts: intron variant (1).
Genome position (GRCh38, 1-based): chrX:33,211,435, A>G on the plus strand (T>C on the coding strand, the complement: DMD is on the minus strand). VCF-style: chrX-33211435-A-G. GRCh37 (hg19) VCF-style: chrX-33229552-A-G.
Other names: c.7+127824T>C (NM_000109.4).
Identifiers: ClinVar variation 368254 (VCV000368254.6), dbSNP rs760595740, ClinGen allele CA10651844.